The following is an entry in ClinVar:

ClinVar aggregate classification (germline): Likely benign (1 of 4 stars; one submission).

Allele frequency attached by ClinVar (database versions not stated): ExAC 0.00020.

Submission:

CeGaT Center for Human Genetics Tuebingen
Classification: Likely benign. Last evaluated: 2023-01-01. Review status: criteria provided, single submitter. Criteria: CeGaT Center For Human Genetics Tuebingen Variant Classification Criteria Version 2. Collection method: clinical testing. Allele origin: germline. Affected: yes. Observed: 1 variant allele.
Comment: MUC12: BP4, BP7

NM_001164462.2(MUC12):c.11823C>T (p.Tyr3941=)

Gene: MUC12 (mucin 12, cell surface associated; plus strand). Cytogenetic location: 7q22.1.
Variant type: single nucleotide variant.
Coding change: c.11823C>T on transcript NM_001164462.2 (MANE Select); coding-DNA position 11823, C replaced by T.
Protein change: p.Tyr3941=; no amino-acid change (tyrosine 3941 retained).
Molecular consequence: synonymous variant.
Genome position (GRCh38, 1-based): chr7:101,002,386, C>T. VCF-style: chr7-101002386-C-T. GRCh37 (hg19) VCF-style: chr7-100645667-C-T.
Identifiers: ClinVar variation 2657818 (VCV002657818.24), dbSNP rs746622207, ClinGen allele CA4400081.